The following is an entry in ClinVar:

ClinVar aggregate classification (germline): Uncertain significance (1 of 4 stars; one submission).

Conditions:
Early-infantile DEE. Also called: Ohtahara syndrome; Early infantile epileptic encephalopathy; Early infantile epileptic encephalopathy with suppression bursts. Identifiers: Orphanet 1934, MedGen C0393706, MONDO:0800491.

Allele frequency attached by ClinVar (database versions not stated): 1000 Genomes Project 30x 0.00016; 1000 Genomes Project 0.00020; gnomAD 0.00001; ExAC 0.00002; TOPMed 0.00002.
gnomAD v4.1: 25 of 1,613,706 alleles (0.0015%); highest among the groups gnomAD compares: Admixed American, 0.015%; no homozygotes.

Submission:

Labcorp Genetics (formerly Invitae), Labcorp
Classification: Uncertain significance for Early-infantile DEE. Last evaluated: 2025-01-21. Review status: criteria provided, single submitter. Criteria: Invitae Variant Classification Sherloc (09022015). Collection method: clinical testing. Allele origin: germline.
Comment: This sequence change replaces arginine, which is basic and polar, with glutamine, which is neutral and polar, at codon 480 of the KCNH5 protein (p.Arg480Gln). This variant is present in population databases (rs567491628, gnomAD 0.02%). This variant has not been reported in the literature in individuals affected with KCNH5-related conditions. ClinVar contains an entry for this variant (Variation ID: 2171514). An algorithm developed to predict the effect of missense changes on protein structure and function (PolyPhen-2) suggests that this variant is likely to be disruptive. In summary, the available evidence is currently insufficient to determine the role of this variant in disease. Therefore, it has been classified as a Variant of Uncertain Significance.

NM_139318.5(KCNH5):c.1439G>A (p.Arg480Gln)

Gene: KCNH5 (potassium voltage-gated channel subfamily H member 5; minus strand). Cytogenetic location: 14q23.2.
Variant type: single nucleotide variant.
Coding change: c.1439G>A on transcript NM_139318.5 (MANE Select); coding-DNA position 1439, G replaced by A.
Protein change: p.Arg480Gln; replaces arginine 480 with glutamine.
Molecular consequence: missense variant.
Genome position (GRCh38, 1-based): chr14:62,849,783, C>T on the plus strand (G>A on the coding strand, the complement: KCNH5 is on the minus strand). VCF-style: chr14-62849783-C-T. GRCh37 (hg19) VCF-style: chr14-63316501-C-T.
Other names: c.1439G>A, p.Arg480Gln (NM_172375.3); short protein forms R480Q.
Identifiers: ClinVar variation 2171514 (VCV002171514.4), dbSNP rs567491628, ClinGen allele CA7217465.
Genomic context (GRCh38, chr14:62,849,783, plus strand): 5'-CCTTTTGGGACCTGATAGAGTTTTAGGAAGTCCCGTACATTATTCAGCATCTCATGGTAT[C>T]GGTTGGTGTTGGCATACATTTGCTGGAAAATTGTTGTAACATTTCCAAAAATAGTTGCAT-3'
Protein context (NP_647479.2, residues 470-490): IFQQMYANTN[Arg480Gln]YHEMLNNVRD